The following is an entry in ClinVar:

ClinVar aggregate classification (germline): Likely benign (1 of 4 stars; one submission).

Submission:

CeGaT Center for Human Genetics Tuebingen
Classification: Likely benign. Last evaluated: 2026-05-01. Review status: criteria provided, single submitter. Criteria: CeGaT Center For Human Genetics Tuebingen Variant Classification Criteria Version 2. Collection method: clinical testing. Allele origin: germline. Affected: yes. Observed: 4 variant alleles.
Comment: CDC27: PM2:Supporting, BP4, BP7

NM_001256.6(CDC27):c.1263T>G (p.Pro421=)

Gene: CDC27 (cell division cycle 27; minus strand). Cytogenetic location: 17q21.32.
Variant type: single nucleotide variant.
Coding change: c.1263T>G on transcript NM_001256.6 (MANE Select); coding-DNA position 1263, T replaced by G.
Protein change: p.Pro421=; no amino-acid change (proline 421 retained).
Molecular consequence: synonymous variant. On other transcripts: non-coding transcript variant (1).
Genome position (GRCh38, 1-based): chr17:47,142,344, A>C on the plus strand (T>G on the coding strand, the complement: CDC27 is on the minus strand). VCF-style: chr17-47142344-A-C. GRCh37 (hg19) VCF-style: chr17-45219710-A-C.
Other names: c.1281T>G, p.Pro427= (NM_001114091.4); c.1263T>G, p.Pro421= (NM_001293089.3, NM_001353035.2, NM_001353047.2); c.1080T>G, p.Pro360= (NM_001293091.3, NM_001353049.2); c.972T>G, p.Pro324= (NM_001353050.2); c.72T>G, p.Pro24= (NM_001353051.2).
Identifiers: ClinVar variation 4681295 (VCV004681295.5).